The following is an entry in ClinVar:

ClinVar aggregate classification (germline): Conflicting classifications of pathogenicity. Review status: criteria provided, conflicting classifications (1 of 4 stars). 2 submissions from 2 submitters: Uncertain significance (1); Likely benign (1). Last evaluated 2023-08-10.

Conditions:
Inborn genetic diseases. Identifiers: MedGen C0950123, MeSH D030342.

Allele frequency attached by ClinVar (database versions not stated): gnomAD 0.00004 and 0.00006; TOPMed 0.00006; gnomAD exomes 0.00016 and 0.00024; 1000 Genomes Project 0.00020; ExAC 0.00029; 1000 Genomes Project 30x 0.00031.
gnomAD v4.1: 230 of 1,565,572 alleles (0.015%); highest among the groups gnomAD compares: South Asian, 0.14%; 1 homozygote.

Submissions (2):

Ambry Genetics
Classification: Likely benign for Inborn genetic diseases. Last evaluated: 2023-08-10. Review status: criteria provided, single submitter. Criteria: Ambry Variant Classification Scheme 2023. Collection method: clinical testing. Allele origin: germline.

Labcorp Genetics (formerly Invitae), Labcorp
Classification: Uncertain significance. Last evaluated: 2022-12-06. Review status: criteria provided, single submitter. Criteria: Invitae Variant Classification Sherloc (09022015). Collection method: clinical testing. Allele origin: germline.
Comment: This variant has not been reported in the literature in individuals affected with MCM3AP-related conditions. In summary, the available evidence is currently insufficient to determine the role of this variant in disease. Therefore, it has been classified as a Variant of Uncertain Significance. Algorithms developed to predict the effect of missense changes on protein structure and function (SIFT, PolyPhen-2, Align-GVGD) all suggest that this variant is likely to be disruptive. ClinVar contains an entry for this variant (Variation ID: 1507164). This variant is present in population databases (rs201196911, gnomAD 0.2%). This sequence change replaces proline, which is neutral and non-polar, with serine, which is neutral and polar, at codon 1905 of the MCM3AP protein (p.Pro1905Ser).

NM_003906.5(MCM3AP):c.5713C>T (p.Pro1905Ser)

Genes: MCM3AP (minichromosome maintenance complex component 3 associated protein; minus strand), MCM3AP-AS1 (MCM3AP antisense RNA 1; plus strand). Cytogenetic location: 21q22.3.
Variant type: single nucleotide variant.
Coding change: c.5713C>T on transcript NM_003906.5 (MANE Select); coding-DNA position 5713, C replaced by T.
Protein change: p.Pro1905Ser; replaces proline 1905 with serine.
Molecular consequence: missense variant.
Genome position (GRCh38, 1-based): chr21:46,236,900, G>A on the plus strand (C>T on the coding strand, the complement: MCM3AP is on the minus strand). VCF-style: chr21-46236900-G-A. GRCh37 (hg19) VCF-style: chr21-47656814-G-A.
Other names: c.5713C>T (NM_003906.3); short protein forms P1905S.
Identifiers: ClinVar variation 1507164 (VCV001507164.5), dbSNP rs201196911, ClinGen allele CA10075771.
Genomic context (GRCh38, chr21:46,236,900, plus strand): 5'-TAGTTACAGATGTTTTCATCACAGGTTCAATAGTGTGAGAAAGAGACACTAGAGTCTGAG[G>A]AAGATAGAGGGGAAGGGAAGTTAAATCCGTAAATGCTCCTGAGTCTTCAGACAACCATTG-3'
Protein context (NP_003897.2, residues 1895-1915): TDLTSLPLYL[Pro1905Ser]QTLVSLSHTI